The following is an entry in ClinVar:

ClinVar aggregate classification (germline): Likely benign (0 of 4 stars; one submission).

Conditions:
CCNP-related disorder. Also called: CCNP-related condition.

Allele frequency attached by ClinVar (database versions not stated): gnomAD 0.00003.

Submission:

PreventionGenetics, part of Exact Sciences
Classification: Likely benign for CCNP-related condition. Last evaluated: 2019-06-13. Review status: no assertion criteria provided. Collection method: clinical testing. Allele origin: germline.
Comment: This variant is classified as likely benign based on ACMG/AMP sequence variant interpretation guidelines (Richards et al. 2015 PMID: 25741868, with internal and published modifications).

NM_024877.4(CCNP):c.774G>T (p.Ala258=)

Gene: CCNP (cyclin P; minus strand). Cytogenetic location: 19q13.2.
Variant type: single nucleotide variant.
Coding change: c.774G>T on transcript NM_024877.4 (MANE Select); coding-DNA position 774, G replaced by T.
Protein change: p.Ala258=; no amino-acid change (alanine 258 retained).
Molecular consequence: synonymous variant.
Genome position (GRCh38, 1-based): chr19:40,223,202, C>A on the plus strand (G>T on the coding strand, the complement: CCNP is on the minus strand). VCF-style: chr19-40223202-C-A. GRCh37 (hg19) VCF-style: chr19-40729109-C-A.
Other names: c.774G>T, p.Ala258= (NM_001144029.1, NM_001411133.1).
Identifiers: ClinVar variation 3034138 (VCV003034138.2), dbSNP rs939034770, ClinGen allele CA507675834.
Genomic context (GRCh38, chr19:40,223,202, plus strand): 5'-AAGACTACACCTGTAAAGTTCTGGCTGGAGCCTGGAGCCCGCCCCGTCGAGCAAGCGGTG[C>A]GCCAGGCTCAGAGCCGCAGCCGCACGACGACCCGGCTCCCATCCCGCCGCCTCGGCCTCC-3'
Protein context (NP_079153.2, residues 248-268): GRRAAAALSL[Ala258=]HRLLDGAGSR